The following is an entry in ClinVar:

NM_020693.4(DSCAML1):c.3466G>C (p.Gly1156Arg)

Gene: DSCAML1 (DS cell adhesion molecule like 1; minus strand). Cytogenetic location: 11q23.3.
Variant type: single nucleotide variant.
Coding change: c.3466G>C on transcript NM_020693.4 (MANE Select); coding-DNA position 3466, G replaced by C.
Protein change: p.Gly1156Arg; replaces glycine 1156 with arginine.
Molecular consequence: missense variant.
Genome position (GRCh38, 1-based): chr11:117,458,856, C>G on the plus strand (G>C on the coding strand, the complement: DSCAML1 is on the minus strand). VCF-style: chr11-117458856-C-G. GRCh37 (hg19) VCF-style: chr11-117329572-C-G.
Other names: short protein forms G1156R.
Identifiers: ClinVar variation 2057251 (VCV002057251.4), dbSNP rs760413334, ClinGen allele CA6296674.

ClinVar aggregate classification (germline): Uncertain significance (1 of 4 stars; one submission).

Allele frequency attached by ClinVar (database versions not stated): ExAC 0.00007; gnomAD 0.00001; gnomAD exomes 0.00001; TOPMed 0.00003.
gnomAD v4.1: 20 of 1,613,938 alleles (0.0012%); highest among the groups gnomAD compares: Admixed American, 0.018%; no homozygotes.

Submission:

Labcorp Genetics (formerly Invitae), Labcorp
Classification: Uncertain significance. Last evaluated: 2024-11-08. Review status: criteria provided, single submitter. Criteria: Invitae Variant Classification Sherloc (09022015). Collection method: clinical testing. Allele origin: germline.
Comment: This sequence change replaces glycine, which is neutral and non-polar, with arginine, which is basic and polar, at codon 1216 of the DSCAML1 protein (p.Gly1216Arg). This variant is present in population databases (rs760413334, gnomAD 0.02%). This variant has not been reported in the literature in individuals affected with DSCAML1-related conditions. ClinVar contains an entry for this variant (Variation ID: 2057251). An algorithm developed to predict the effect of missense changes on protein structure and function (PolyPhen-2) suggests that this variant is likely to be tolerated. In summary, the available evidence is currently insufficient to determine the role of this variant in disease. Therefore, it has been classified as a Variant of Uncertain Significance.